The following is an entry in ClinVar:

ClinVar aggregate classification (germline): Uncertain significance. Review status: criteria provided, multiple submitters, no conflicts (2 of 4 stars). 2 submissions from 2 submitters: Uncertain significance (2). Last evaluated 2025-03-18.

Conditions:
Fanconi anemia (FA). Also called: Fanconi's anemia. Identifiers: Orphanet 84, MedGen C0015625, MeSH D005199, MONDO:0019391.
Fanconi anemia complementation group I (FANCI). Also called: FANCI-Related Fanconi Anemia. Identifiers: Orphanet 84, MedGen C1836861, MONDO:0012186, OMIM 609053.

Allele frequency attached by ClinVar (database versions not stated): TOPMed below 0.00001; gnomAD 0.00001; gnomAD exomes 0.00006 and 0.00007; ExAC 0.00007.
gnomAD v4.1: 85 of 1,613,958 alleles (0.0053%); highest among the groups gnomAD compares: Non-Finnish European, 0.0056%; no homozygotes.

Submissions (2):

Labcorp Genetics (formerly Invitae), Labcorp
Classification: Uncertain significance for Fanconi anemia. Last evaluated: 2025-03-18. Review status: criteria provided, single submitter. Criteria: Invitae Variant Classification Sherloc (09022015). Collection method: clinical testing. Allele origin: germline.
Comment: This sequence change replaces arginine, which is basic and polar, with glutamine, which is neutral and polar, at codon 602 of the FANCI protein (p.Arg602Gln). This variant is present in population databases (rs201641791, gnomAD 0.04%). This variant has not been reported in the literature in individuals affected with FANCI-related conditions. ClinVar contains an entry for this variant (Variation ID: 1351975). Invitae Evidence Modeling of protein sequence and biophysical properties (such as structural, functional, and spatial information, amino acid conservation, physicochemical variation, residue mobility, and thermodynamic stability) indicates that this missense variant is expected to disrupt FANCI protein function with a positive predictive value of 80%. In summary, the available evidence is currently insufficient to determine the role of this variant in disease. Therefore, it has been classified as a Variant of Uncertain Significance.

Fulgent Genetics
Classification: Uncertain significance for Fanconi anemia complementation group I. Last evaluated: 2024-04-30. Review status: criteria provided, single submitter. Criteria: ACMG Guidelines, 2015. Collection method: clinical testing. Allele origin: germline.

NM_001113378.2(FANCI):c.1805G>A (p.Arg602Gln)

Gene: FANCI (FA complementation group I; plus strand). Cytogenetic location: 15q26.1.
Variant type: single nucleotide variant.
Coding change: c.1805G>A on transcript NM_001113378.2 (MANE Select); coding-DNA position 1805, G replaced by A.
Protein change: p.Arg602Gln; replaces arginine 602 with glutamine.
Molecular consequence: missense variant.
Genome position (GRCh38, 1-based): chr15:89,285,202, G>A. VCF-style: chr15-89285202-G-A. GRCh37 (hg19) VCF-style: chr15-89828433-G-A.
Other names: c.1526G>A, p.Arg509Gln (NM_001376910.1); c.1805G>A, p.Arg602Gln (NM_001376911.1, NM_018193.3); short protein forms R509Q, R602Q.
Identifiers: ClinVar variation 1351975 (VCV001351975.9), dbSNP rs201641791, ClinGen allele CA7723158.